The following is an entry in ClinVar:

NM_014704.4(CEP104):c.278G>A (p.Arg93Gln)

Gene: CEP104 (centrosomal protein 104; minus strand). Cytogenetic location: 1p36.32.
Variant type: single nucleotide variant.
Coding change: c.278G>A on transcript NM_014704.4 (MANE Select); coding-DNA position 278, G replaced by A.
Protein change: p.Arg93Gln; replaces arginine 93 with glutamine.
Molecular consequence: missense variant.
Genome position (GRCh38, 1-based): chr1:3,848,617, C>T on the plus strand (G>A on the coding strand, the complement: CEP104 is on the minus strand). VCF-style: chr1-3848617-C-T. GRCh37 (hg19) VCF-style: chr1-3765181-C-T.
Other names: short protein forms R93Q.
Identifiers: ClinVar variation 953566 (VCV000953566.33), dbSNP rs199576006, ClinGen allele CA552018.

ClinVar aggregate classification (germline): Conflicting classifications of pathogenicity. Review status: criteria provided, conflicting classifications (1 of 4 stars). 5 submissions from 5 submitters: Uncertain significance (3); Likely benign (2). Last evaluated 2025-03-31.

Conditions:
Inborn genetic diseases. Identifiers: MedGen C0950123, MeSH D030342.
Joubert syndrome 25 (JBTS25). Identifiers: Orphanet 475, MedGen C4084842, MONDO:0014770, OMIM 616781.

Allele frequency attached by ClinVar (database versions not stated): 1000 Genomes Project 0.00020; ESP Exome Variant Server 0.00023; gnomAD exomes 0.00023 and 0.00034; ExAC 0.00028; 1000 Genomes Project 30x 0.00031; gnomAD 0.00034 and 0.00037; TOPMed 0.00036.
gnomAD v4.1: 536 of 1,608,656 alleles (0.033%); highest among the groups gnomAD compares: Non-Finnish European, 0.043%; no homozygotes.

Submissions (5):

Ambry Genetics
Classification: Uncertain significance for Inborn genetic diseases. Last evaluated: 2025-03-31. Review status: criteria provided, single submitter. Criteria: Ambry Variant Classification Scheme 2023. Collection method: clinical testing. Allele origin: germline.

Labcorp Genetics (formerly Invitae), Labcorp
Classification: Uncertain significance for Joubert syndrome 25. Last evaluated: 2025-01-21. Review status: criteria provided, single submitter. Criteria: Invitae Variant Classification Sherloc (09022015). Collection method: clinical testing. Allele origin: germline.
Comment: This sequence change replaces arginine, which is basic and polar, with glutamine, which is neutral and polar, at codon 93 of the CEP104 protein (p.Arg93Gln). This variant is present in population databases (rs199576006, gnomAD 0.05%). This variant has not been reported in the literature in individuals affected with CEP104-related conditions. ClinVar contains an entry for this variant (Variation ID: 953566). An algorithm developed to predict the effect of missense changes on protein structure and function (PolyPhen-2) suggests that this variant¬†is likely to be tolerated. In summary, the available evidence is currently insufficient to determine the role of this variant in disease. Therefore, it has been classified as a Variant of Uncertain Significance.

Blueprint Genetics
Classification: Likely benign. Last evaluated: 2024-10-23. Review status: criteria provided, single submitter. Criteria: ACMG Guidelines, 2015. Collection method: clinical testing. Allele origin: germline.

CeGaT Center for Human Genetics Tuebingen
Classification: Likely benign. Last evaluated: 2023-12-01. Review status: criteria provided, single submitter. Criteria: CeGaT Center For Human Genetics Tuebingen Variant Classification Criteria Version 2. Collection method: clinical testing. Allele origin: germline. Affected: yes. Observed: 1 variant allele.
Comment: CEP104: BP4

GeneDx
Classification: Uncertain significance. Last evaluated: 2023-07-06. Review status: criteria provided, single submitter. Criteria: GeneDx Variant Classification Process June 2021. Collection method: clinical testing. Allele origin: germline. Affected: yes.
Comment: In silico analysis supports that this missense variant does not alter protein structure/function; Has not been previously published as pathogenic or benign to our knowledge